The following is an entry in ClinVar:

ClinVar aggregate classification (germline): Conflicting classifications of pathogenicity. Review status: criteria provided, conflicting classifications (1 of 4 stars). 3 submissions from 3 submitters: Uncertain significance (1); Likely benign (1). 1 of the submissions does not count toward it. Last evaluated 2025-11-18.

Conditions:
Hereditary insensitivity to pain with anhidrosis (CIPA). Also called: NTRK1 Congenital Insensitivity to Pain with Anhidrosis; HSAN Type IV; FAMILIAL DYSAUTONOMIA, TYPE II; hereditary sensory and autonomic neuropathy type 4; INSENSITIVITY TO PAIN, CONGENITAL, WITH ANHIDROSIS; NEUROPATHY, CONGENITAL SENSORY, WITH ANHIDROSIS. Identifiers: Orphanet 642, MedGen C0020074, MONDO:0009746, OMIM 256800.
NTRK1-related disorder. Also called: NTRK1-related condition.

Allele frequency attached by ClinVar (database versions not stated): gnomAD 0.00001; gnomAD exomes 0.00001; TOPMed 0.00002.

Submissions (3):

PreventionGenetics, part of Exact Sciences
Classification: Uncertain significance for NTRK1-related condition. Last evaluated: 2025-11-18. Review status: criteria provided, single submitter. Criteria: ACMG Guidelines, 2015. Collection method: clinical testing. Allele origin: germline.
Comment: The NTRK1 c.1926G>A variant is not predicted to result in an amino acid change (p.=). This variant is predicted to impact splicing based on splicing prediction programs (SpliceAI, Jaganathan et al. 2019. PubMed ID: 30661751). However, the use of computer prediction programs is not equivalent to functional evidence. To our knowledge, this variant has not been reported in the literature. This variant is reported in 0.0018% of alleles in individuals of European (Non-Finnish) descent in gnomAD. At this time, the clinical significance of this variant is uncertain due to the absence of conclusive functional and genetic evidence.

Labcorp Genetics (formerly Invitae), Labcorp
Classification: Likely benign for Hereditary insensitivity to pain with anhidrosis. Last evaluated: 2025-03-20. Review status: criteria provided, single submitter. Criteria: Invitae Variant Classification Sherloc (09022015). Collection method: clinical testing. Allele origin: germline.

Natera, Inc.
Classification: Uncertain significance for Hereditary insensitivity to pain with anhidrosis. Last evaluated: 2020-08-16. Review status: no assertion criteria provided. Collection method: clinical testing. Allele origin: germline. Not counted in ClinVar's aggregate classification.

NM_002529.4(NTRK1):c.1926G>A (p.Ala642=)

Gene: NTRK1 (neurotrophic receptor tyrosine kinase 1; plus strand). Cytogenetic location: 1q23.1.
Variant type: single nucleotide variant.
Coding change: c.1926G>A on transcript NM_002529.4 (MANE Select); coding-DNA position 1926, G replaced by A.
Protein change: p.Ala642=; no amino-acid change (alanine 642 retained).
Molecular consequence: synonymous variant.
Genome position (GRCh38, 1-based): chr1:156,879,242, G>A. VCF-style: chr1-156879242-G-A. GRCh37 (hg19) VCF-style: chr1-156849034-G-A.
Other names: c.1926G>A (NM_002529.3); c.1818G>A, p.Ala606= (NM_001007792.1); c.1908G>A, p.Ala636= (NM_001012331.2).
Identifiers: ClinVar variation 662462 (VCV000662462.12), dbSNP rs930810955, ClinGen allele CA31123412.